The following is an entry in ClinVar:

ClinVar aggregate classification (germline): Uncertain significance (1 of 4 stars; one submission).

Submission:

Labcorp Genetics (formerly Invitae), Labcorp
Classification: Uncertain significance. Last evaluated: 2022-06-17. Review status: criteria provided, single submitter. Criteria: Invitae Variant Classification Sherloc (09022015). Collection method: clinical testing. Allele origin: germline.
Comment: In summary, the available evidence is currently insufficient to determine the role of this variant in disease. Therefore, it has been classified as a Variant of Uncertain Significance. Advanced modeling of protein sequence and biophysical properties (such as structural, functional, and spatial information, amino acid conservation, physicochemical variation, residue mobility, and thermodynamic stability) performed at Invitae indicates that this missense variant is expected to disrupt CLCN7 protein function. This variant has not been reported in the literature in individuals affected with CLCN7-related conditions. This variant is not present in population databases (gnomAD no frequency). This sequence change replaces serine, which is neutral and polar, with proline, which is neutral and non-polar, at codon 331 of the CLCN7 protein (p.Ser331Pro).

NM_001287.6(CLCN7):c.991T>C (p.Ser331Pro)

Gene: CLCN7 (chloride voltage-gated channel 7; minus strand). Cytogenetic location: 16p13.3.
Variant type: single nucleotide variant.
Coding change: c.991T>C on transcript NM_001287.6 (MANE Select); coding-DNA position 991, T replaced by C.
Protein change: p.Ser331Pro; replaces serine 331 with proline.
Molecular consequence: missense variant.
Genome position (GRCh38, 1-based): chr16:1,455,241, A>G on the plus strand (T>C on the coding strand, the complement: CLCN7 is on the minus strand). VCF-style: chr16-1455241-A-G. GRCh37 (hg19) VCF-style: chr16-1505242-A-G.
Other names: c.919T>C, p.Ser307Pro (NM_001114331.3); short protein forms S307P, S331P.
Identifiers: ClinVar variation 2007597 (VCV002007597.4), dbSNP rs2505831103, ClinGen allele CA394189908.
Genomic context (GRCh38, chr16:1,455,241, plus strand): 5'-CCCACATGTTCCCGTGGTAAATGCTCAGAACAAAATTCAGGGTGAACGTGGAGATCATGG[A>G]AGCAAAGAACTGCGGCAGAGGGCAGGAAACCAGCGCCCTCAGAGCCACGCTCCCAGCCCA-3'
Protein context (NP_001278.1, residues 321-341): QFLTWRIFFA[Ser331Pro]MISTFTLNFV